The following is an entry in ClinVar:

NM_004722.4(AP4M1):c.52_58+6del

Gene: AP4M1 (adaptor related protein complex 4 subunit mu 1; plus strand). Cytogenetic location: 7q22.1.
Variant type: Deletion.
Coding change: c.52_58+6del on transcript NM_004722.4 (MANE Select); coding-DNA position 52 through 6 bases into the intron after coding-DNA position 58, 13 bases deleted (AAAGACTGTATCC).
Molecular consequence: splice donor variant.
Genome position (GRCh38, 1-based): chr7:100,101,766-100,101,778, AAAGACTGTATCC deleted; deleting any 13 consecutive bases within chr7:100,101,765-100,101,778 gives the same sequence; the c. name uses the placement nearest the transcript's 3' end. VCF-style (leftmost placement, unchanged base first): chr7-100101764-ACAAAGACTGTATC-A. GRCh37 (hg19) VCF-style: chr7-99699387-ACAAAGACTGTATC-A.
Other names: c.52_58+6del (NM_001363671.2).
Identifiers: ClinVar variation 1497146 (VCV001497146.7), dbSNP rs1350685858, ClinGen allele CA830442647.
Genomic context (GRCh38, chr7:100,101,764, plus strand): 5'-CCAGAACGGCCATGATTTCCCAATTCTTCATTCTGTCCTCCAAGGGGGACCCGCTCATCT[ACAAAGACTGTATC>A]CTAGACCCTTGGGGCTGGGAAGGGGCGGAGGGGCCGGGCGGGAGGGGCGCCCAGGGCCAG-3'

ClinVar aggregate classification (germline): Pathogenic (1 of 4 stars; one submission).

Conditions:
Hereditary spastic paraplegia 50 (SPG50). Also called: Spastic paraplegia 50, autosomal recessive. Identifiers: Orphanet 280763, MedGen C2752008, MONDO:0013048, OMIM 612936.

Submission:

Labcorp Genetics (formerly Invitae), Labcorp
Classification: Pathogenic for Hereditary spastic paraplegia 50. Last evaluated: 2022-09-13. Review status: criteria provided, single submitter. Criteria: Invitae Variant Classification Sherloc (09022015). Collection method: clinical testing. Allele origin: germline.
Comment: ClinVar contains an entry for this variant (Variation ID: 1497146). For these reasons, this variant has been classified as Pathogenic. Algorithms developed to predict the effect of sequence changes on RNA splicing suggest that this variant may disrupt the consensus splice site. This variant has been observed in individual(s) with clinical features of AP4M1-related conditions (Invitae). In at least one individual the data is consistent with being in trans (on the opposite chromosome) from a pathogenic variant. This variant is not present in population databases (gnomAD no frequency). This variant results in the deletion of part of exon 1 (c.52_58+6del) of the AP4M1 gene. It is expected to disrupt RNA splicing. Variants that disrupt the donor or acceptor splice site typically lead to a loss of protein function (PMID: 16199547), and loss-of-function variants in AP4M1 are known to be pathogenic (PMID: 24700674, 25496299, 25558065).

Literature cited by the submitters: PubMed 16199547; PubMed 24700674; PubMed 25496299; PubMed 25558065.